The following is an entry in ClinVar:

NM_002880.4(RAF1):c.844C>G (p.Arg282Gly)

Gene: RAF1 (Raf-1 proto-oncogene, serine/threonine kinase; minus strand). Cytogenetic location: 3p25.2.
Variant type: single nucleotide variant.
Coding change: c.844C>G on transcript NM_002880.4 (MANE Select); coding-DNA position 844, C replaced by G.
Protein change: p.Arg282Gly; replaces arginine 282 with glycine.
Molecular consequence: missense variant. On other transcripts: non-coding transcript variant (3).
Genome position (GRCh38, 1-based): chr3:12,600,406, G>C on the plus strand (C>G on the coding strand, the complement: RAF1 is on the minus strand). VCF-style: chr3-12600406-G-C. GRCh37 (hg19) VCF-style: chr3-12641905-G-C.
Other names: c.904C>G, p.Arg302Gly (NM_001354689.3); c.844C>G, p.Arg282Gly (NM_001354690.3); c.601C>G, p.Arg201Gly (NM_001354691.3, NM_001354692.3); c.745C>G, p.Arg249Gly (NM_001354693.3); c.661C>G, p.Arg221Gly (NM_001354694.3); c.502C>G, p.Arg168Gly (NM_001354695.3); short protein forms R282G, R302G, R201G, R221G, R249G, R168G.
Identifiers: ClinVar variation 561964 (VCV000561964.1), dbSNP rs755926381, ClinGen allele CA351510102.

ClinVar aggregate classification (germline): Uncertain significance (1 of 4 stars; one submission).

Submission:

GeneDx
Classification: Uncertain significance. Last evaluated: 2018-08-16. Review status: criteria provided, single submitter. Criteria: GeneDx Variant Classification (06012015). Collection method: clinical testing. Allele origin: germline. Affected: yes.
Comment: The R282G variant in the RAF1 gene has not been reported previously as a pathogenic variant, nor as a benign variant, to our knowledge. The R282G variant is not observed in large population cohorts (Lek et al., 2016). The R282G variant is a non-conservative amino acid substitution, which is likely to impact secondary protein structure as these residues differ in polarity, charge, size and/or other properties. In-silico analyses, including protein predictors and evolutionary conservation, support that this variant does not alter protein structure/function. We interpret R282G as a variant of uncertain significance.